The following is an entry in ClinVar:

NM_014915.3(ANKRD26):c.4003C>T (p.Leu1335Phe)

Gene: ANKRD26 (ankyrin repeat domain 26; minus strand). Cytogenetic location: 10p12.1.
Variant type: single nucleotide variant.
Coding change: c.4003C>T on transcript NM_014915.3 (MANE Select); coding-DNA position 4003, C replaced by T.
Protein change: p.Leu1335Phe; replaces leucine 1335 with phenylalanine.
Molecular consequence: missense variant.
Genome position (GRCh38, 1-based): chr10:27,024,529, G>A on the plus strand (C>T on the coding strand, the complement: ANKRD26 is on the minus strand). VCF-style: chr10-27024529-G-A. GRCh37 (hg19) VCF-style: chr10-27313458-G-A.
Other names: c.4000C>T, p.Leu1334Phe (NM_001256053.2); short protein forms L1334F, L1335F.
Identifiers: ClinVar variation 2582062 (VCV002582062.3), dbSNP rs2053597016, ClinGen allele CA376359686.
Genomic context (GRCh38, chr10:27,024,529, plus strand): 5'-CAACATTTTTCTTCATTTCTTGATCCAAATTACATTCCAGTGACTGTTTTAATTCCATAA[G>A]TTTCTTTAATTGTTCCTTTTCATCTTCAGACTTTGAAACAAAATATTTTCAATTACTTTT-3'
Protein context (NP_055730.2, residues 1325-1345): SEDEKEQLKK[Leu1335Phe]MELKQSLECN

ClinVar aggregate classification (germline): Uncertain significance. Review status: criteria provided, multiple submitters, no conflicts (2 of 4 stars). 3 submissions from 3 submitters: Uncertain significance (3). Last evaluated 2026-08-02.

Conditions:
Inborn genetic diseases. Identifiers: MedGen C0950123, MeSH D030342.

Submissions (3):

Ambry Genetics
Classification: Uncertain significance for Inborn genetic diseases. Last evaluated: 2026-08-02. Review status: criteria provided, single submitter. Criteria: Ambry Variant Classification Scheme 2023. Collection method: clinical testing. Allele origin: germline.
Comment: The p.L1335F variant (also known as c.4003C>T), located in coding exon 28 of the ANKRD26 gene, results from a C to T substitution at nucleotide position 4003. The leucine at codon 1335 is replaced by phenylalanine, an amino acid with highly similar properties. This amino acid position is conserved. In addition, this alteration is predicted to be tolerated by in silico analysis. Based on the available evidence, the clinical significance of this variant remains unclear.

Labcorp Genetics (formerly Invitae), Labcorp
Classification: Uncertain significance. Last evaluated: 2025-10-05. Review status: criteria provided, single submitter. Criteria: Invitae Variant Classification Sherloc (09022015). Collection method: clinical testing. Allele origin: germline.
Comment: This sequence change replaces leucine, which is neutral and non-polar, with phenylalanine, which is neutral and non-polar, at codon 1335 of the ANKRD26 protein (p.Leu1335Phe). This variant is not present in population databases (gnomAD no frequency). This variant has not been reported in the literature in individuals affected with ANKRD26-related conditions. ClinVar contains an entry for this variant (Variation ID: 2582062). An algorithm developed to predict the effect of missense changes on protein structure and function outputs the following: PolyPhen-2: "Benign". The phenylalanine amino acid residue is found in multiple mammalian species, which suggests that this missense change does not adversely affect protein function. In summary, the available evidence is currently insufficient to determine the role of this variant in disease. Therefore, it has been classified as a Variant of Uncertain Significance.

GeneDx
Classification: Uncertain significance. Last evaluated: 2023-03-30. Review status: criteria provided, single submitter. Criteria: GeneDx Variant Classification Process June 2021. Collection method: clinical testing. Allele origin: germline. Affected: yes.
Comment: Not observed at significant frequency in large population cohorts (gnomAD); In silico analysis supports that this missense variant does not alter protein structure/function; Has not been previously published as pathogenic or benign to our knowledge